The following is an entry in ClinVar:

NM_000465.4(BARD1):c.1280G>C (p.Arg427Thr)

Gene: BARD1 (BRCA1 associated RING domain 1; minus strand). Cytogenetic location: 2q35.
Variant type: single nucleotide variant.
Coding change: c.1280G>C on transcript NM_000465.4 (MANE Select); coding-DNA position 1280, G replaced by C.
Protein change: p.Arg427Thr; replaces arginine 427 with threonine.
Molecular consequence: missense variant. On other transcripts: non-coding transcript variant (2), intron variant (3).
Genome position (GRCh38, 1-based): chr2:214,780,594, C>G on the plus strand (G>C on the coding strand, the complement: BARD1 is on the minus strand). VCF-style: chr2-214780594-C-G. GRCh37 (hg19) VCF-style: chr2-215645318-C-G.
Other names: c.1223G>C, p.Arg408Thr (NM_001282543.2); c.159-28039G>C (NM_001282548.2); c.215+16467G>C (NM_001282545.2); c.364+11703G>C (NM_001282549.2); short protein forms R408T, R427T.
Identifiers: ClinVar variation 3820277 (VCV003820277.1).
Genomic context (GRCh38, chr2:214,780,594, plus strand): 5'-ATGGTATTTCAGAGTAAGCATCCTACCTTAATAGAAGCAATATGGAGCAAAGTCTCTCCT[C>G]TATGATTTCTTTTCACAGCCATATTGGGCAACAGCTTCATTGCTGAGGGACTAGACATCA-3'
Protein context (NP_000456.2, residues 417-437): LPNMAVKRNH[Arg427Thr]GETLLHIASI

ClinVar aggregate classification (germline): Uncertain significance (1 of 4 stars; one submission).

Conditions:
Hereditary cancer-predisposing syndrome. Also called: Hereditary neoplastic syndrome; Neoplastic Syndromes, Hereditary; Tumor predisposition; Hereditary Cancer Syndrome. Identifiers: Orphanet 140162, MedGen C0027672, MeSH D009386, MONDO:0015356.

Submission:

Ambry Genetics
Classification: Uncertain significance for Hereditary cancer-predisposing syndrome. Last evaluated: 2025-03-02. Review status: criteria provided, single submitter. Criteria: Ambry Variant Classification Scheme 2023. Collection method: clinical testing. Allele origin: germline.
Comment: The p.R427T variant (also known as c.1280G>C), located in coding exon 4 of the BARD1 gene, results from a G to C substitution at nucleotide position 1280. The arginine at codon 427 is replaced by threonine, an amino acid with similar properties. This amino acid position is conserved. In addition, this alteration is predicted to be tolerated by in silico analysis. Based on the available evidence, the clinical significance of this variant remains unclear.